The following is an entry in ClinVar:

NM_001267550.2(TTN):c.7023C>T (p.Asp2341=)

Genes: TTN (titin; minus strand), LOC126806433 (BRD4-independent group 4 enhancer GRCh37_chr2:179638309-179639508; plus strand). Cytogenetic location: 2q31.2.
Variant type: single nucleotide variant.
Coding change: c.7023C>T on transcript NM_001267550.2 (MANE Select); coding-DNA position 7023, C replaced by T.
Protein change: p.Asp2341=; no amino-acid change (aspartic acid 2341 retained).
Molecular consequence: synonymous variant.
Genome position (GRCh38, 1-based): chr2:178,774,241, G>A on the plus strand (C>T on the coding strand, the complement: TTN is on the minus strand). VCF-style: chr2-178774241-G-A. GRCh37 (hg19) VCF-style: chr2-179638968-G-A.
Other names: c.7023C>T, p.Asp2341= (NM_001256850.1, NM_133378.4, NM_133379.5); c.6885C>T, p.Asp2295= (NM_003319.4, NM_133432.3, NM_133437.4).
Identifiers: ClinVar variation 467428 (VCV000467428.24), dbSNP rs761409144, ClinGen allele CA2004919.
Genomic context (GRCh38, chr2:178,774,241, plus strand): 5'-AGGCTGACAGGAATGGGAGGACTTACGTTTCATCTTTAATTTACAGGTTGTCTTTTTCCC[G>A]TCGATGACAAAGCTGTATTCTCCCTGGTCCTCCTTGGTTACATCCTTGACCGTGAGGTTC-3'
Protein context (NP_001254479.2, residues 2331-2351): EDQGEYSFVI[Asp2341=]GKKTTCKLKM

ClinVar aggregate classification (germline): Benign/Likely benign. Review status: criteria provided, multiple submitters, no conflicts (2 of 4 stars). 13 submissions from 10 submitters: Benign (5); Likely benign (8). Last evaluated 2026-02-01.

Conditions:
Cardiovascular phenotype. Identifiers: MedGen CN230736.
TTN-related disorder. Also called: TTN-related condition; TTN-related disease; TTN-related disorders.
Autosomal recessive limb-girdle muscular dystrophy type 2J (LGMDR10). Also called: Limb-girdle muscular dystrophy, type 2J; MUSCULAR DYSTROPHY, LIMB-GIRDLE, AUTOSOMAL RECESSIVE 10. Identifiers: Orphanet 140922, MedGen C1837342, MONDO:0012127, OMIM 608807.
Dilated cardiomyopathy 1G (CMD1G). Identifiers: Orphanet 154, MedGen C1858763, MONDO:0011400, OMIM 604145.
Cardiomyopathy (CMYO). Also called: Cardiomyopathies. Identifiers: Orphanet 167848, MedGen C0878544, MONDO:0004994, HP:0001638. Inheritance: Various modes of inheritance.
Myopathy, myofibrillar, 9, with early respiratory failure (MFM9). Also called: Hereditary myopathy with early respiratory failure; MYOPATHY, PROXIMAL, WITH EARLY RESPIRATORY MUSCLE INVOLVEMENT; EDSTROM MYOPATHY; Myopathy, distal, with early respiratory failure, autosomal dominant. Identifiers: Orphanet 178464, Orphanet 34521, MedGen C1863599, MONDO:0011362, OMIM 603689.
Early-onset myopathy with fatal cardiomyopathy (CMYO5). Also called: Salih Myopathy; CONGENITAL MYOPATHY 5 WITH CARDIOMYOPATHY. Identifiers: Orphanet 289377, MedGen C2673677, MONDO:0012714, OMIM 611705. Disease mechanism: loss of function.
Tibial muscular dystrophy (TMD). Also called: Udd Distal Myopathy – Tibial Muscular Dystrophy; UDD MYOPATHY; Tibial muscular dystrophy, tardive. Identifiers: Orphanet 609, MedGen C1838244, MONDO:0010870, OMIM 600334.

Allele frequency attached by ClinVar (database versions not stated): ExAC 0.00005; gnomAD 0.00005 and 0.00006; gnomAD exomes 0.00006 and 0.00008; TOPMed 0.00006.

Submissions (13):

Labcorp Genetics (formerly Invitae), Labcorp
Classification: Likely benign for Dilated cardiomyopathy 1G; Autosomal recessive limb-girdle muscular dystrophy type 2J. Last evaluated: 2026-02-01. Review status: criteria provided, single submitter. Criteria: Invitae Variant Classification Sherloc (09022015). Collection method: clinical testing. Allele origin: germline.

Women's Health and Genetics/Laboratory Corporation of America, LabCorp
Classification: Likely benign. Last evaluated: 2025-09-08. Review status: criteria provided, single submitter. Criteria: LabCorp Variant Classification Summary - May 2015. Collection method: clinical testing. Allele origin: germline.

PreventionGenetics, part of Exact Sciences
Classification: Likely benign for TTN-related condition. Last evaluated: 2025-07-08. Review status: criteria provided, single submitter. Criteria: ACMG Guidelines, 2015. Collection method: clinical testing. Allele origin: germline.
Comment: This variant is classified as likely benign based on ACMG/AMP sequence variant interpretation guidelines (Richards et al. 2015 PMID: 25741868, with internal and published modifications).

Molecular Diagnostic Laboratory for Inherited Cardiovascular Disease, Montreal Heart Institute
Classification: Likely benign. Last evaluated: 2025-04-09. Review status: criteria provided, single submitter. Criteria: ACMG Guidelines, 2015. Collection method: clinical testing. Allele origin: germline. Affected: no.

Blueprint Genetics
Classification: Likely benign. Last evaluated: 2023-12-15. Review status: criteria provided, single submitter. Criteria: ACMG Guidelines, 2015. Collection method: clinical testing. Allele origin: germline.

Revvity Omics, Revvity
Classification: Likely benign. Last evaluated: 2023-09-23. Review status: criteria provided, single submitter. Criteria: ACMG Guidelines, 2015. Collection method: clinical testing. Allele origin: germline.

Genome-Nilou Lab
Classification: Benign for Autosomal recessive limb-girdle muscular dystrophy type 2J. Last evaluated: 2021-09-10. Review status: criteria provided, single submitter. Criteria: ACMG Guidelines, 2015. Collection method: clinical testing. Allele origin: germline. Affected: no.

Genome-Nilou Lab
Classification: Benign for Myopathy, myofibrillar, 9, with early respiratory failure. Last evaluated: 2021-09-10. Review status: criteria provided, single submitter. Criteria: ACMG Guidelines, 2015. Collection method: clinical testing. Allele origin: germline. Affected: no.

Genome-Nilou Lab
Classification: Benign for Early-onset myopathy with fatal cardiomyopathy. Last evaluated: 2021-09-10. Review status: criteria provided, single submitter. Criteria: ACMG Guidelines, 2015. Collection method: clinical testing. Allele origin: germline. Affected: no.

Genome-Nilou Lab
Classification: Benign for Tibial muscular dystrophy. Last evaluated: 2021-09-10. Review status: criteria provided, single submitter. Criteria: ACMG Guidelines, 2015. Collection method: clinical testing. Allele origin: germline. Affected: no.

Ambry Genetics
Classification: Likely benign for Cardiovascular phenotype. Last evaluated: 2020-10-20. Review status: criteria provided, single submitter. Criteria: Ambry Variant Classification Scheme 2023. Collection method: clinical testing. Allele origin: germline.

CHEO Genetics Diagnostic Laboratory, Children's Hospital of Eastern Ontario
Classification: Likely benign for Cardiomyopathy. Last evaluated: 2019-08-30. Review status: criteria provided, single submitter. Criteria: ACMG Guidelines, 2015. Collection method: clinical testing. Allele origin: germline.

GeneDx
Classification: Benign. Last evaluated: 2017-02-15. Review status: criteria provided, single submitter. Criteria: GeneDx Variant Classification (06012015). Collection method: clinical testing. Allele origin: germline. Affected: yes.
Comment: This variant is considered likely benign or benign based on one or more of the following criteria: it is a conservative change, it occurs at a poorly conserved position in the protein, it is predicted to be benign by multiple in silico algorithms, and/or has population frequency not consistent with disease.